The following is an entry in ClinVar:

ClinVar aggregate classification (germline): Uncertain significance (1 of 4 stars; one submission).

Conditions:
BAP1-related tumor predisposition syndrome (TPDS1). Also called: Tumor susceptibility linked to germline BAP1 mutations; COMMON Syndrome; TUMOR PREDISPOSITION SYNDROME 1; BAP1 tumor predisposition syndrome. Identifiers: Orphanet 289539, MedGen C3280492, MONDO:0013692, OMIM 614327.

Submission:

Labcorp Genetics (formerly Invitae), Labcorp
Classification: Uncertain significance for BAP1-related tumor predisposition syndrome. Last evaluated: 2025-08-05. Review status: criteria provided, single submitter. Criteria: Invitae Variant Classification Sherloc (09022015). Collection method: clinical testing. Allele origin: germline.
Comment: This sequence change replaces glutamic acid, which is acidic and polar, with lysine, which is basic and polar, at codon 640 of the BAP1 protein (p.Glu640Lys). This variant is not present in population databases (gnomAD no frequency). This variant has not been reported in the literature in individuals affected with BAP1-related conditions. Invitae Evidence Modeling of protein sequence and biophysical properties (such as structural, functional, and spatial information, amino acid conservation, physicochemical variation, residue mobility, and thermodynamic stability) indicates that this missense variant is expected to disrupt BAP1 protein function with a positive predictive value of 80%. In summary, the available evidence is currently insufficient to determine the role of this variant in disease. Therefore, it has been classified as a Variant of Uncertain Significance.

NM_004656.4(BAP1):c.1918G>A (p.Glu640Lys)

Gene: BAP1 (BRCA1 associated deubiquitinase 1; minus strand). Cytogenetic location: 3p21.1.
Variant type: single nucleotide variant.
Coding change: c.1918G>A on transcript NM_004656.4 (MANE Select); coding-DNA position 1918, G replaced by A.
Protein change: p.Glu640Lys; replaces glutamic acid 640 with lysine.
Molecular consequence: missense variant.
Genome position (GRCh38, 1-based): chr3:52,402,844, C>T on the plus strand (G>A on the coding strand, the complement: BAP1 is on the minus strand). VCF-style: chr3-52402844-C-T. GRCh37 (hg19) VCF-style: chr3-52436860-C-T.
Other names: c.1864G>A, p.Glu622Lys (NM_001410772.1); short protein forms E622K, E640K.
Identifiers: ClinVar variation 4797961 (VCV004797961.1).